The following is an entry in ClinVar:

ClinVar aggregate classification (germline): Pathogenic. Review status: criteria provided, multiple submitters, no conflicts (2 of 4 stars). 3 submissions from 3 submitters: Pathogenic (3). Last evaluated 2024-03-28.

Conditions:
Laryngo-onycho-cutaneous syndrome (JEB2C). Also called: LOGIC SYNDROME; SHABBIR SYNDROME; EPIDERMOLYSIS BULLOSA, JUNCTIONAL 2C, LARYNGOONYCHOCUTANEOUS. Identifiers: Orphanet 2407, MedGen C1328355, MONDO:0009513, OMIM 245660.
Epidermolysis bullosa, junctional 2A, intermediate. Also called: EPIDERMOLYSIS BULLOSA, JUNCTIONAL 2A, GENERALIZED INTERMEDIATE; EPIDERMOLYSIS BULLOSA, JUNCTIONAL 2A, NON-HERLITZ TYPE. Identifiers: MedGen C5676936, MONDO:0030746, OMIM 619783.
Epidermolysis bullosa, junctional 2B, severe. Also called: EPIDERMOLYSIS BULLOSA, JUNCTIONAL 2B, GENERALIZED SEVERE; EPIDERMOLYSIS BULLOSA, JUNCTIONAL 2B, HERLITZ TYPE. Identifiers: MedGen C5676937, MONDO:0030747, OMIM 619784.
Junctional epidermolysis bullosa. Identifiers: Orphanet 305, MedGen C0079301, MONDO:0017612.

Allele frequency attached by ClinVar (database versions not stated): TOPMed below 0.00001; gnomAD 0.00001; gnomAD exomes 0.00001; ExAC 0.00002.
gnomAD v4.1: 9 of 1,613,914 alleles (0.00056%); highest among the groups gnomAD compares: Non-Finnish European, 0.00076%; no homozygotes.

Submissions (3):

Fulgent Genetics
Classification: Pathogenic for Laryngo-onycho-cutaneous syndrome; Epidermolysis bullosa, junctional 2A, intermediate; Epidermolysis bullosa, junctional 2B, severe. Last evaluated: 2024-03-28. Review status: criteria provided, single submitter. Criteria: ACMG Guidelines, 2015. Collection method: clinical testing. Allele origin: germline.

Labcorp Genetics (formerly Invitae), Labcorp
Classification: Pathogenic. Last evaluated: 2023-02-23. Review status: criteria provided, single submitter. Criteria: Invitae Variant Classification Sherloc (09022015). Collection method: clinical testing. Allele origin: germline.
Comment: For these reasons, this variant has been classified as Pathogenic. ClinVar contains an entry for this variant (Variation ID: 1321416). This premature translational stop signal has been observed in individual(s) with junctional epidermolysis bullosa (PMID: 27827380). In at least one individual the data is consistent with being in trans (on the opposite chromosome) from a pathogenic variant. This variant is present in population databases (rs777713989, gnomAD 0.003%). This sequence change creates a premature translational stop signal (p.Arg793*) in the LAMA3 gene. It is expected to result in an absent or disrupted protein product. Loss-of-function variants in LAMA3 are known to be pathogenic (PMID: 10366601, 11810295, 12915477, 16473856, 17362460, 22434185, 23869449, 27827380, 28087116).

Women's Health and Genetics/Laboratory Corporation of America, LabCorp
Classification: Pathogenic for Junctional epidermolysis bullosa. Last evaluated: 2021-10-24. Review status: criteria provided, single submitter. Criteria: LabCorp Variant Classification Summary - May 2015. Collection method: clinical testing. Allele origin: germline.
Comment: Variant summary: LAMA3 c.2377C>T (p.Arg793X) results in a premature termination codon, predicted to cause a truncation of the encoded protein or absence of the protein due to nonsense mediated decay, which are commonly known mechanisms for disease. Truncations downstream of this position have been classified as pathogenic by our laboratory. The variant allele was found at a frequency of 1.2e-05 in 251402 control chromosomes. c.2377C>T has been reported in the literature in individuals affected with Junctional Epidermolysis Bullosa (example, Castori_2008, Gostynska_2017). These data indicate that the variant is likely to be associated with disease. To our knowledge, no experimental evidence demonstrating an impact on protein function has been reported. No clinical diagnostic laboratories have submitted clinical-significance assessments for this variant to ClinVar after 2014. Based on the evidence outlined above, the variant was classified as pathogenic.

Literature cited by the submitters: PubMed 27827380 (cited by Labcorp Genetics (formerly Invitae), Labcorp and Women's Health and Genetics/Laboratory Corporation of America, LabCorp); PubMed 10366601 (cited by Labcorp Genetics (formerly Invitae), Labcorp); PubMed 11810295 (cited by Labcorp Genetics (formerly Invitae), Labcorp); PubMed 12915477 (cited by Labcorp Genetics (formerly Invitae), Labcorp); PubMed 16473856 (cited by Labcorp Genetics (formerly Invitae), Labcorp); PubMed 17362460 (cited by Labcorp Genetics (formerly Invitae), Labcorp); PubMed 22434185 (cited by Labcorp Genetics (formerly Invitae), Labcorp); PubMed 23869449 (cited by Labcorp Genetics (formerly Invitae), Labcorp); PubMed 28087116 (cited by Labcorp Genetics (formerly Invitae), Labcorp); PubMed 17916201 (cited by Women's Health and Genetics/Laboratory Corporation of America, LabCorp).

NM_198129.4(LAMA3):c.7204C>T (p.Arg2402Ter)

Gene: LAMA3 (laminin subunit alpha 3; plus strand). Cytogenetic location: 18q11.2.
Variant type: single nucleotide variant.
Coding change: c.7204C>T on transcript NM_198129.4 (MANE Select); coding-DNA position 7204, C replaced by T.
Protein change: p.Arg2402Ter; replaces arginine 2402 with a stop codon.
Molecular consequence: nonsense.
Genome position (GRCh38, 1-based): chr18:23,912,756, C>T. VCF-style: chr18-23912756-C-T. GRCh37 (hg19) VCF-style: chr18-21492720-C-T.
Other names: c.2377C>T, p.Arg793Ter (NM_000227.6); c.7036C>T, p.Arg2346Ter (NM_001127717.4); c.2209C>T, p.Arg737Ter (NM_001127718.4); short protein forms R2346*, R2402*, R737*, R793*.
Identifiers: ClinVar variation 1321416 (VCV001321416.8), dbSNP rs777713989, ClinGen allele CA8916581.